The following is an entry in ClinVar:

NM_014000.3(VCL):c.2028C>G (p.Val676=)

Gene: VCL (vinculin; plus strand). Cytogenetic location: 10q22.2.
Variant type: single nucleotide variant.
Coding change: c.2028C>G on transcript NM_014000.3 (MANE Select); coding-DNA position 2028, C replaced by G.
Protein change: p.Val676=; no amino-acid change (valine 676 retained).
Molecular consequence: synonymous variant.
Genome position (GRCh38, 1-based): chr10:74,103,825, C>G. VCF-style: chr10-74103825-C-G. GRCh37 (hg19) VCF-style: chr10-75863583-C-G.
Other names: c.2028C>G, p.Val676= (NM_003373.4).
Identifiers: ClinVar variation 1139381 (VCV001139381.13), dbSNP rs528539468, ClinGen allele CA5563154.

ClinVar aggregate classification (germline): Likely benign. Review status: criteria provided, multiple submitters, no conflicts (2 of 4 stars). 3 submissions from 3 submitters: Likely benign (2). 1 of the submissions does not count toward it. Last evaluated 2025-10-01.

Conditions:
VCL-related disorder. Also called: VCL-related condition.
Cardiovascular phenotype. Identifiers: MedGen CN230736.
Dilated cardiomyopathy 1W (CMD1W). Identifiers: Orphanet 154, MedGen C1969639, MONDO:0012667, OMIM 611407.

Allele frequency attached by ClinVar (database versions not stated): gnomAD 0.00004; TOPMed 0.00004; 1000 Genomes Project 30x 0.00016; 1000 Genomes Project 0.00020.
gnomAD v4.1: 8 of 1,614,024 alleles (0.0005%); highest among the groups gnomAD compares: African/African-American, 0.011%; no homozygotes.

Submissions (3):

Labcorp Genetics (formerly Invitae), Labcorp
Classification: Likely benign for Dilated cardiomyopathy 1W. Last evaluated: 2025-10-01. Review status: criteria provided, single submitter. Criteria: Invitae Variant Classification Sherloc (09022015). Collection method: clinical testing. Allele origin: germline.

Ambry Genetics
Classification: Likely benign for Cardiovascular phenotype. Last evaluated: 2021-02-18. Review status: criteria provided, single submitter. Criteria: Ambry Variant Classification Scheme 2023. Collection method: clinical testing. Allele origin: germline.

PreventionGenetics, part of Exact Sciences
Classification: Likely benign for VCL-related condition. Last evaluated: 2021-10-25. Review status: no assertion criteria provided. Collection method: clinical testing. Allele origin: germline. Not counted in ClinVar's aggregate classification.
Comment: This variant is classified as likely benign based on ACMG/AMP sequence variant interpretation guidelines (Richards et al. 2015 PMID: 25741868, with internal and published modifications).